The following is an entry in ClinVar:

ClinVar aggregate classification (germline): Uncertain significance (1 of 4 stars; one submission).

gnomAD v4.1: 9 of 1,613,768 alleles (0.00056%); highest among the groups gnomAD compares: Non-Finnish European, 0.00076%; no homozygotes.

Submission:

ARUP Laboratories, Molecular Genetics and Genomics, ARUP Laboratories
Classification: Uncertain significance. Last evaluated: 2024-12-09. Review status: criteria provided, single submitter. Criteria: ARUP Molecular Germline Variant Investigation Process 2024. Collection method: clinical testing. Allele origin: germline.
Comment: The TTN c.2842G>A; p.Gly948Ser variant (rs1234047810) is rare in the general population (<0.2% allele frequency in the Genome Aggregation Database) and has not been reported in the medical literature in association with dilated cardiomyopathy (DCM) or other TTN-related disease. The clinical relevance of rare missense variants in this gene, which are identified on average once per individual sequenced in affected populations (Herman 2012), is not well understood. Yet, evidence suggests that the vast majority of such missense variants do not contribute to the clinical outcome of DCM (Begay 2015). Thus, the clinical significance of the p.Gly948Ser variant cannot be determined with certainty. REFERENCES Begay RL et al. Role of Titin Missense Variants in Dilated Cardiomyopathy. J Am Heart Assoc. 2015 Nov 13;4(11). PMID: 26567375. Herman DS et al. Truncations of titin causing dilated cardiomyopathy. N Engl J Med. 2012 Feb 16;366(7):619-28. PMID: 22335739. Linke WA and Hamdani N. Gigantic business: titin properties and function through thick and thin. Circ Res 2014; 114(6): 1052-1068. PMID: 24625729.

NM_001267550.2(TTN):c.2842G>A (p.Gly948Ser)

Gene: TTN (titin; minus strand). Cytogenetic location: 2q31.2.
Variant type: single nucleotide variant.
Coding change: c.2842G>A on transcript NM_001267550.2 (MANE Select); coding-DNA position 2842, G replaced by A.
Protein change: p.Gly948Ser; replaces glycine 948 with serine.
Molecular consequence: missense variant.
Genome position (GRCh38, 1-based): chr2:178,783,064, C>T on the plus strand (G>A on the coding strand, the complement: TTN is on the minus strand). VCF-style: chr2-178783064-C-T. GRCh37 (hg19) VCF-style: chr2-179647791-C-T.
Other names: c.2842G>A, p.Gly948Ser (NM_001256850.1, NM_133378.4, NM_133379.5); c.2704G>A, p.Gly902Ser (NM_003319.4, NM_133432.3, NM_133437.4); short protein forms G902S, G948S.
Identifiers: ClinVar variation 4685590 (VCV004685590.1).
Genomic context (GRCh38, chr2:178,783,064, plus strand): 5'-CAGAGATGTGGCACTCCAAGGTGACAGATTCACCTTCTATGACAGTCACATTTTTTAAGC[C>T]CTGAAGAGAGGAGAAAAAATAAATAATGATACGTGTGCATATTCATTAATCACTTCTGTT-3'
Protein context (NP_001254479.2, residues 938-958): IPVTPPTLVS[Gly948Ser]LKNVTVIEGE